The following is an entry in ClinVar:

ClinVar aggregate classification (germline): Uncertain significance (1 of 4 stars; one submission).

Conditions:
Cardiomyopathy (CMYO). Also called: Cardiomyopathies. Identifiers: Orphanet 167848, MedGen C0878544, MONDO:0004994, HP:0001638. Inheritance: Various modes of inheritance.

Submission:

Color Diagnostics, LLC DBA Color Health
Classification: Uncertain significance for Cardiomyopathy. Last evaluated: 2024-03-06. Review status: criteria provided, single submitter. Criteria: ACMG Guidelines, 2015. Collection method: clinical testing. Allele origin: germline.
Comment: This missense variant replaces histidine with aspartic acid at codon 643 of the DSP protein. Computational prediction tool suggests that this variant may not impact protein structure and function (internally defined REVEL score threshold <=0.5, PMID: 27666373). Splice site prediction tools suggest that this variant may not impact RNA splicing. To our knowledge, functional studies have not been performed for this variant. This variant has not been reported in individuals affected with cardiovascular disorders in the literature. This variant has not been identified in the general population by the Genome Aggregation Database (gnomAD). The available evidence is insufficient to determine the role of this variant in disease conclusively. Therefore, this variant is classified as a Variant of Uncertain Significance.

NM_004415.4(DSP):c.1927C>G (p.His643Asp)

Gene: DSP (desmoplakin; plus strand). Cytogenetic location: 6p24.3.
Variant type: single nucleotide variant.
Coding change: c.1927C>G on transcript NM_004415.4 (MANE Select); coding-DNA position 1927, C replaced by G.
Protein change: p.His643Asp; replaces histidine 643 with aspartic acid.
Molecular consequence: missense variant.
Genome position (GRCh38, 1-based): chr6:7,571,865, C>G. VCF-style: chr6-7571865-C-G. GRCh37 (hg19) VCF-style: chr6-7572098-C-G.
Other names: c.1927C>G, p.His643Asp (NM_001008844.3, NM_001319034.2); short protein forms H643D.
Identifiers: ClinVar variation 919150 (VCV000919150.4), dbSNP rs1759064034, ClinGen allele CA362680066.